The following is an entry in ClinVar:

ClinVar aggregate classification (germline): Pathogenic/Likely pathogenic. Review status: criteria provided, multiple submitters, no conflicts (2 of 4 stars). 3 submissions from 3 submitters: Pathogenic (1); Likely pathogenic (2). Last evaluated 2026-06-22.

Conditions:
OPTN-related disorder. Also called: OPTN-related disorders; OPTN-related condition.
Glaucoma 1, open angle, E. Identifiers: MedGen C1842026, MONDO:0007665.
Amyotrophic lateral sclerosis type 12 (ALS12). Also called: AMYOTROPHIC LATERAL SCLEROSIS 12 WITH OR WITHOUT FRONTOTEMPORAL DEMENTIA. Identifiers: Orphanet 803, MedGen C3150692, MONDO:0013264, OMIM 613435.
Primary open angle glaucoma (POAG). Also called: OPTN-related open angle glaucoma. Identifiers: MedGen C0339573, MONDO:0100553, OMIM 137760.

Submissions (3):

PreventionGenetics, part of Exact Sciences
Classification: Likely pathogenic for OPTN-related condition. Last evaluated: 2026-06-22. Review status: criteria provided, single submitter. Criteria: ACMG Guidelines, 2015. Collection method: clinical testing. Allele origin: germline.
Comment: The OPTN c.1241_1242delAG variant is predicted to result in a frameshift and premature protein termination (p.Glu414Valfs*14). This variant was reported in an individual with amyotrophic lateral sclerosis (Table S4, Fiorini et al. 2023. DOI 10.1155/2023/8620557). This variant is reported in 0.0041% of alleles in individuals of African descent in gnomAD. Frameshift variants in OPTN are expected to be pathogenic. This variant is interpreted as likely pathogenic.

Labcorp Genetics (formerly Invitae), Labcorp
Classification: Pathogenic for Primary open angle glaucoma; Glaucoma 1, open angle, E; Amyotrophic lateral sclerosis type 12. Last evaluated: 2025-08-25. Review status: criteria provided, single submitter. Criteria: Invitae Variant Classification Sherloc (09022015). Collection method: clinical testing. Allele origin: germline.
Comment: This sequence change creates a premature translational stop signal (p.Glu414Valfs*14) in the OPTN gene. It is expected to result in an absent or disrupted protein product. Loss-of-function variants in OPTN are known to be pathogenic (PMID: 20428114). This variant is present in population databases (rs774772178, gnomAD 0.004%). This variant has not been reported in the literature in individuals affected with OPTN-related conditions. ClinVar contains an entry for this variant (Variation ID: 1409027). For these reasons, this variant has been classified as Pathogenic.

Department of Pathology and Laboratory Medicine, Sinai Health System
Classification: Likely pathogenic for Amyotrophic lateral sclerosis type 12. Last evaluated: 2023-09-25. Review status: criteria provided, single submitter. Criteria: ACMG Guidelines, 2015. Collection method: research. Allele origin: germline.

Literature cited by the submitters: PubMed 20428114 (cited by Labcorp Genetics (formerly Invitae), Labcorp).

NM_001008212.2(OPTN):c.1241_1242del (p.Glu414fs)

Gene: OPTN (optineurin; plus strand). Cytogenetic location: 10p13.
Variant type: Microsatellite.
Coding change: c.1241_1242del on transcript NM_001008212.2 (MANE Select); coding-DNA positions 1241 to 1242, 2 bases deleted (AG; older notation c.1241_1242delAG).
Protein change: p.Glu414fs; shifts the reading frame from glutamic acid 414.
Molecular consequence: frameshift variant.
Genome position (GRCh38, 1-based): chr10:13,126,038-13,126,039, AG deleted; deleting any 2 consecutive bases within chr10:13,126,036-13,126,039 gives the same sequence; the c. name uses the placement nearest the transcript's 3' end. VCF-style (leftmost placement, unchanged base first): chr10-13126035-AAG-A. GRCh37 (hg19) VCF-style: chr10-13168035-AAG-A.
Other names: c.1241_1242del, p.Glu414fs (NM_001008211.1, NM_001008213.1, NM_021980.4); c.1241_1242delAG (NM_001008211.1); short protein forms E414fs.
Identifiers: ClinVar variation 1409027 (VCV001409027.8), dbSNP rs774772178, ClinGen allele CA5410907.
Genomic context (GRCh38, chr10:13,126,035, plus strand): 5'-ACAACAAGCTTCTTCAAGAACATAATAATGCATTGAAAACAATTGAGGAACTAACAAGAA[AAG>A]AGGTATTCACTGAAAAAAATTACTTCCATAGCCTAGTAATGAACAGAAACTGTTGAACGT-3'